The following is an entry in ClinVar:

ClinVar aggregate classification (germline): Pathogenic (1 of 4 stars; one submission).

Conditions:
Familial hypokalemia-hypomagnesemia (GTLMNS). Also called: gitelman syndrome; HYPOMAGNESEMIA-HYPOKALEMIA, PRIMARY RENOTUBULAR, WITH HYPOCALCIURIA; POTASSIUM AND MAGNESIUM DEPLETION. Identifiers: Orphanet 358, MedGen C0268450, MONDO:0009904, OMIM 263800.

Submission:

3billion
Classification: Pathogenic for Familial hypokalemia-hypomagnesemia. Last evaluated: 2022-09-01. Review status: criteria provided, single submitter. Criteria: ACMG Guidelines, 2015. Collection method: clinical testing. Allele origin: germline. Affected: yes. Observed: 1 homozygote.
Comment: The variant is not observed in the gnomAD v2.1.1 dataset. Stop-gained (nonsense) is predicted to result in a loss or disruption of normal protein function through nonsense-mediated decay (NMD) or protein truncation. Multiple pathogenic variants are reported downstream of the variant. Therefore, this variant is classified as Pathogenic according to the recommendation of ACMG/AMP guideline.

NM_001126108.2(SLC12A3):c.2238G>A (p.Trp746Ter)

Gene: SLC12A3 (solute carrier family 12 member 3; plus strand). Cytogenetic location: 16q13.
Variant type: single nucleotide variant.
Coding change: c.2238G>A on transcript NM_001126108.2 (MANE Select); coding-DNA position 2238, G replaced by A.
Protein change: p.Trp746Ter; replaces tryptophan 746 with a stop codon.
Molecular consequence: nonsense.
Genome position (GRCh38, 1-based): chr16:56,887,984, G>A. VCF-style: chr16-56887984-G-A. GRCh37 (hg19) VCF-style: chr16-56921896-G-A.
Other names: c.2238G>A, p.Trp746Ter (NM_000339.3); c.2235G>A, p.Trp745Ter (NM_001126107.2, NM_001410896.1); short protein forms W745*, W746*.
Identifiers: ClinVar variation 1705505 (VCV001705505.1), dbSNP rs2055341698, ClinGen allele CA395994783.